The following is an entry in ClinVar:

ClinVar aggregate classification (germline): Uncertain significance. Review status: criteria provided, multiple submitters, no conflicts (2 of 4 stars). 5 submissions from 5 submitters: Uncertain significance (5). Last evaluated 2026-04-20.

Conditions:
Familial medullary thyroid carcinoma (MTC). Also called: Familial Medullary Thyroid Carcinoma (FMTC); Thyroid cancer, familial medullary; MTC, familial. Identifiers: Orphanet 653, Orphanet 99361, MedGen C1833921, MONDO:0007958, OMIM 155240.
Pheochromocytoma. Also called: MAX-Related Hereditary Paraganglioma-Pheochromocytoma Syndrome. Identifiers: Orphanet 29072, MedGen C0031511, MONDO:0008233, OMIM 171300, HP:0002666.
Multiple endocrine neoplasia type 2A. Also called: Multiple Endocrine Neoplasia Type 2A (MEN2A); MULTIPLE ENDOCRINE NEOPLASIA, TYPE IIA; PTC SYNDROME; SIPPLE SYNDROME; MEN 2A; MEN-2A syndrome. Identifiers: Orphanet 247698, Orphanet 653, MedGen C0025268, MeSH D018813, MONDO:0008234, OMIM 171400.
Hirschsprung disease, susceptibility to, 1 (HSCR1). Also called: RET-Related Hirschsprung Disease. Identifiers: Orphanet 388, MedGen C3888239, MONDO:0007723, OMIM 142623.
Multiple endocrine neoplasia type 2B. Also called: WAGENMANN-FROBOESE SYNDROME; MULTIPLE ENDOCRINE NEOPLASIA, TYPE III; MUCOSAL NEUROMA SYNDROME; Multiple Endocrine Neoplasia Type 2B (MEN2B); Multiple endocrine neoplasia, type 3; MULTIPLE ENDOCRINE NEOPLASIA, TYPE IIB. Identifiers: Orphanet 247709, Orphanet 653, MedGen C0025269, MeSH D018814, MONDO:0008082, OMIM 162300.
RET-related disorder. Also called: RET-related disorders; RET-related condition; RET-related disease.
Hereditary cancer-predisposing syndrome. Also called: Hereditary Cancer Syndrome; Hereditary neoplastic syndrome; Tumor predisposition; Neoplastic Syndromes, Hereditary. Identifiers: Orphanet 140162, MedGen C0027672, MeSH D009386, MONDO:0015356.
Multiple endocrine neoplasia, type 2 (MEN2). Identifiers: Orphanet 653, MedGen C4048306, MONDO:0019003. Disease mechanism: gain of function.

gnomAD v4.1: 1 of 1,613,886 alleles (0.000062%); highest among the groups gnomAD compares: Non-Finnish European, 0.000085%; no homozygotes.

Submissions (5):

Ambry Genetics
Classification: Uncertain significance for Hereditary cancer-predisposing syndrome. Last evaluated: 2026-04-20. Review status: criteria provided, single submitter. Criteria: Ambry Variant Classification Scheme 2023. Collection method: clinical testing. Allele origin: germline.
Comment: The p.E1058V variant (also known as c.3173A>T), located in coding exon 19 of the RET gene, results from an A to T substitution at nucleotide position 3173. The glutamic acid at codon 1058 is replaced by valine, an amino acid with dissimilar properties. This amino acid position is highly conserved in available vertebrate species. In addition, this alteration is predicted to be deleterious by in silico analysis. Based on the available evidence, the clinical significance of this variant remains unclear.

PreventionGenetics, part of Exact Sciences
Classification: Uncertain significance for RET-related condition. Last evaluated: 2025-12-15. Review status: criteria provided, single submitter. Criteria: ACMG Guidelines, 2015. Collection method: clinical testing. Allele origin: germline.
Comment: The RET c.3173A>T variant is predicted to result in the amino acid substitution p.Glu1058Val. To our knowledge, this variant has not been reported in the literature. This variant is reported in 0.00088% of alleles in individuals of European (Non-Finnish) descent in gnomAD and is interpreted as uncertain in ClinVar (Variation ID: 486309). At this time, the clinical significance of this variant is uncertain due to the absence of conclusive functional and genetic evidence.

Labcorp Genetics (formerly Invitae), Labcorp
Classification: Uncertain significance for Multiple endocrine neoplasia, type 2. Last evaluated: 2025-11-10. Review status: criteria provided, single submitter. Criteria: Invitae Variant Classification Sherloc (09022015). Collection method: clinical testing. Allele origin: germline.
Comment: This sequence change replaces glutamic acid, which is acidic and polar, with valine, which is neutral and non-polar, at codon 1058 of the RET protein (p.Glu1058Val). This variant is present in population databases (rs780578577, gnomAD 0.0009%). This variant has not been reported in the literature in individuals affected with RET-related conditions. ClinVar contains an entry for this variant (Variation ID: 486309). An algorithm developed to predict the effect of missense changes on protein structure and function (PolyPhen-2) suggests that this variant is likely to be disruptive. Algorithms developed to predict the effect of sequence changes on RNA splicing suggest that this variant may disrupt the consensus splice site. In summary, the available evidence is currently insufficient to determine the role of this variant in disease. Therefore, it has been classified as a Variant of Uncertain Significance.

Fulgent Genetics
Classification: Uncertain significance for Hirschsprung disease, susceptibility to, 1; Familial medullary thyroid carcinoma; Multiple endocrine neoplasia type 2B; Pheochromocytoma; Multiple endocrine neoplasia type 2A. Last evaluated: 2024-06-17. Review status: criteria provided, single submitter. Criteria: ACMG Guidelines, 2015. Collection method: clinical testing. Allele origin: germline.

Baylor Genetics
Classification: Uncertain significance for Hirschsprung disease, susceptibility to, 1. Last evaluated: 2023-11-02. Review status: criteria provided, single submitter. Criteria: ACMG Guidelines, 2015. Collection method: clinical testing. Allele origin: unknown.

NM_020975.6(RET):c.3173A>T (p.Glu1058Val)

Gene: RET (ret proto-oncogene; plus strand). Cytogenetic location: 10q11.21.
Variant type: single nucleotide variant.
Coding change: c.3173A>T on transcript NM_020975.6 (MANE Select); coding-DNA position 3173, A replaced by T.
Protein change: p.Glu1058Val; replaces glutamic acid 1058 with valine.
Molecular consequence: missense variant.
Genome position (GRCh38, 1-based): chr10:43,126,708, A>T. VCF-style: chr10-43126708-A-T. GRCh37 (hg19) VCF-style: chr10-43622156-A-T.
Other names: c.3173A>T, p.Glu1058Val (NM_000323.2, NM_001406743.1, NM_001406744.1 and 2 more transcripts); c.2411A>T, p.Glu804Val (NM_001355216.2); c.3044A>T, p.Glu1015Val (NM_001406761.1, NM_001406762.1, NM_001406764.1); c.3038A>T, p.Glu1013Val (NM_001406763.1, NM_001406765.1); c.2885A>T, p.Glu962Val (NM_001406766.1, NM_001406767.1, NM_001406770.1); c.2909A>T, p.Glu970Val (NM_001406768.1); c.2777A>T, p.Glu926Val (NM_001406769.1, NM_001406772.1); c.2735A>T, p.Glu912Val (NM_001406771.1, NM_001406773.1); and 10 more; short protein forms E1058V, E804V, E663V, E728V, E926V, E623V, E716V, E759V.
Identifiers: ClinVar variation 486309 (VCV000486309.20), dbSNP rs780578577, ClinGen allele CA042918.